The following is an entry in ClinVar:

NM_001267550.2(TTN):c.78477T>G (p.Tyr26159Ter)

Genes: TTN (titin; minus strand), TTN-AS1 (TTN antisense RNA 1; plus strand). Cytogenetic location: 2q31.2.
Variant type: single nucleotide variant.
Coding change: c.78477T>G on transcript NM_001267550.2 (MANE Select); coding-DNA position 78477, T replaced by G.
Protein change: p.Tyr26159Ter; replaces tyrosine 26159 with a stop codon.
Molecular consequence: nonsense.
Genome position (GRCh38, 1-based): chr2:178,567,655, A>C on the plus strand (T>G on the coding strand, the complement: TTN is on the minus strand). VCF-style: chr2-178567655-A-C. GRCh37 (hg19) VCF-style: chr2-179432382-A-C.
Other names: c.73554T>G, p.Tyr24518Ter (NM_001256850.1); c.51282T>G, p.Tyr17094Ter (NM_003319.4); c.70773T>G, p.Tyr23591Ter (NM_133378.4); c.51657T>G, p.Tyr17219Ter (NM_133432.3); c.51858T>G, p.Tyr17286Ter (NM_133437.4); short protein forms Y17094*, Y17219*, Y17286*, Y23591*, Y24518*, Y26159*.
Identifiers: ClinVar variation 5019793 (VCV005019793.2).

ClinVar aggregate classification (germline): Likely pathogenic (1 of 4 stars; one submission).

Conditions:
Dilated cardiomyopathy 1G (CMD1G). Identifiers: Orphanet 154, MedGen C1858763, MONDO:0011400, OMIM 604145.

Submission:

Juno Genomics, Hangzhou Juno Genomics, Inc
Classification: Likely pathogenic for Dilated cardiomyopathy 1G. Review status: criteria provided, single submitter. Criteria: ACMG Guidelines, 2015. Collection method: clinical testing. Allele origin: germline.
Comment: Absent from controls (or at extremely low frequency if recessive) in Genome Aggregation Database.;Null variant in a gene where loss of function (LOF) is a known mechanism of disease.